The following is an entry in ClinVar:

NM_007294.4(BRCA1):c.1724A>G (p.Glu575Gly)

Gene: BRCA1 (BRCA1 DNA repair associated; minus strand). Cytogenetic location: 17q21.31.
Variant type: single nucleotide variant.
Coding change: c.1724A>G on transcript NM_007294.4 (MANE Select); coding-DNA position 1724, A replaced by G.
Protein change: p.Glu575Gly; replaces glutamic acid 575 with glycine.
Molecular consequence: missense variant. On other transcripts: intron variant (137).
Genome position (GRCh38, 1-based): chr17:43,093,807, T>C on the plus strand (A>G on the coding strand, the complement: BRCA1 is on the minus strand). VCF-style: chr17-43093807-T-C. GRCh37 (hg19) VCF-style: chr17-41245824-T-C.
Other names: NP_009225.1:p.Glu575Gly; c.1724A>G, p.Glu575Gly (NM_001407620.1, NM_001407621.1, NM_001407622.1 and 30 more transcripts); c.1721A>G, p.Glu574Gly (NM_001407627.1, NM_001407628.1, NM_001407629.1 and 22 more transcripts); c.1715A>G, p.Glu572Gly (NM_001407646.1, NM_001407647.1); c.1601A>G, p.Glu534Gly (NM_001407648.1, NM_001407664.1, NM_001407665.1 and 19 more transcripts); c.1598A>G, p.Glu533Gly (NM_001407649.1, NM_001407670.1, NM_001407685.1 and 11 more transcripts); c.1643A>G, p.Glu548Gly (NM_001407661.1, NM_001407662.1, NM_001407659.1 and 1 more transcripts); c.1646A>G, p.Glu549Gly (NM_001407663.1, NM_001407653.1, NM_001407654.1 and 4 more transcripts); and 41 more; short protein forms E575G, E528G, E447G, E464G, E487G, E504G, E505G, E527G.
Identifiers: ClinVar variation 186110 (VCV000186110.57), dbSNP rs111539978, ClinGen allele CA001129.
Genomic context (GRCh38, chr17:43,093,807, plus strand): 5'-TCCATATTGCTTATACTGCTGCTTATAGGTTCAGCTTTCGTTTTGAAAGCAGATTCTTTT[T>C]CGAGTGATTCTATTGGGTTAGGATTTTTCTCATTCTGAATAGAATCACCTTTTGTTTTAT-3'
Protein context (NP_009225.1, residues 565-585): EKNPNPIESL[Glu575Gly]KESAFKTKAE

ClinVar aggregate classification (germline): Conflicting classifications of pathogenicity. Review status: criteria provided, conflicting classifications (1 of 4 stars). 12 submissions from 12 submitters: Uncertain significance (7); Benign (1); Likely benign (4). Last evaluated 2026-02-06.

Conditions:
BRCA1-related disorder. Also called: BRCA1-related condition.
Hereditary breast ovarian cancer syndrome. Also called: Hereditary breast and ovarian cancer syndrome; Hereditary breast and ovarian cancer syndrome (HBOC); BRCA1- and BRCA2-Associated Hereditary Breast and Ovarian Cancer; Breast and ovarian cancer; Hereditary breast and ovarian cancer; Hereditary breast and/or ovarian cancer syndrome. Identifiers: Orphanet 145, MedGen C0677776, MeSH D061325, MONDO:0003582. Disease mechanism: loss of function.
Hereditary cancer-predisposing syndrome. Also called: Hereditary Cancer Syndrome; Hereditary neoplastic syndrome; Tumor predisposition; Neoplastic Syndromes, Hereditary. Identifiers: Orphanet 140162, MedGen C0027672, MeSH D009386, MONDO:0015356.
Hereditary cancer. Identifiers: MedGen C1333600.
Breast-ovarian cancer, familial, susceptibility to, 1 (BROVCA1). Also called: OVARIAN CANCER, SUSCEPTIBILITY TO; BRCA1 Hereditary Breast and Ovarian Cancer. Identifiers: Orphanet 145, MedGen C2676676, MONDO:0011450, OMIM 604370. Disease mechanism: loss of function.

Allele frequency attached by ClinVar (database versions not stated): ExAC 0.00001; gnomAD exomes 0.00001 and 0.00002; gnomAD 0.00006; TOPMed 0.00007.
gnomAD v4.1: 50 of 1,613,682 alleles (0.0031%); highest among the groups gnomAD compares: African/African-American, 0.033%; no homozygotes.

Submissions 1 to 8 of 12:

Women's Health and Genetics/Laboratory Corporation of America, LabCorp
Classification: Likely benign. Last evaluated: 2026-02-06. Review status: criteria provided, single submitter. Criteria: LabCorp Variant Classification Summary - May 2015. Collection method: clinical testing. Allele origin: germline.
Comment: Variant summary: BRCA1 c.1724A>G (p.Glu575Gly) results in a non-conservative amino acid change in the encoded protein sequence. Algorithms developed to predict the effect of missense changes on protein structure and function are either unavailable or do not agree on the potential impact of this missense change. The variant allele was found at a frequency of 2e-05 in 250754 control chromosomes, predominantly at a frequency of 0.00025 within the African or African-American subpopulation in the gnomAD database. The available data on variant occurrences in the general population are insufficient to allow any conclusion about variant significance. c.1724A>G has been observed in individual(s) affected with a personal of family history of Hereditary Breast And Ovarian Cancer Syndrome without clear evidence for causality (Combrink_2021, Ren_2021, Hovland_2022, Gifoni_2022, Makhetha_2024), however without strong evidence for causality (e.g., lack of co-segregation data). It has also been reported in the BRCA Share database (formerly UMD-BRCA1) in one proband (without co-occurrence with other deleterious variants in BRCA1/2). These reports therefore do not provide unequivocal conclusions about association of the variant with Hereditary Breast And Ovarian Cancer Syndrome. To our knowledge, no experimental evidence demonstrating an impact on protein function has been reported. The following publications have been ascertained in the context of this evaluation (PMID: 34218100, 35957908, 21702907, 34981296, 25348012, 34196900, 39041507). ClinVar contains an entry for this variant (Variation ID: 186110). Based on the evidence outlined above, the variant was classified as likely benign.

Labcorp Genetics (formerly Invitae), Labcorp
Classification: Benign for Hereditary breast ovarian cancer syndrome. Last evaluated: 2026-01-22. Review status: criteria provided, single submitter. Criteria: Invitae Variant Classification Sherloc (09022015). Collection method: clinical testing. Allele origin: germline.

PreventionGenetics, part of Exact Sciences
Classification: Uncertain significance for BRCA1-related condition. Last evaluated: 2025-11-18. Review status: criteria provided, single submitter. Criteria: ACMG Guidelines, 2015. Collection method: clinical testing. Allele origin: germline.
Comment: The BRCA1 c.1724A>G variant is predicted to result in the amino acid substitution p.Glu575Gly. This variant has been reported as uncertain in individuals with breast cancer (Supplemental Table 3, Ren et al. 2021. PubMed ID: 34196900; Combrink et al. 2021. PubMed ID: 34218100; Data Sheet 1, Gifoni et al. 2022. PubMed ID: 35957908). However, this variant has also been reported in 1/2559 African American women who were older than 70 who had never had cancer (FLOSSIES database). This variant is reported in 0.025% of alleles in individuals of African descent in gnomAD and has conflicting interpretations regarding its pathogenicity in ClinVar, ranging from benign to uncertain (Variation ID: 186110). Although we suspect that this variant may be benign, at this time, the clinical significance of this variant is uncertain due to the absence of conclusive functional and genetic evidence.

GeneDx
Classification: Uncertain significance. Last evaluated: 2025-05-29. Review status: criteria provided, single submitter. Criteria: GeneDx Variant Classification Process June 2021. Collection method: clinical testing. Allele origin: germline. Affected: yes.
Comment: In silico analysis supports that this missense variant has a deleterious effect on protein structure/function; Not observed at significant frequency in large population cohorts (gnomAD); Also known as 1843A>G; Identified among individuals with breast cancer (PMID: 34218100, 34196900, 35957908); This variant is associated with the following publications: (PMID: 32627955, 21702907, 25348012, 16760289, 35464868, 34218100, 34196900, 34981296, 10426999, 10792030, 15343273, 35957908)

Ambry Genetics
Classification: Uncertain significance for Hereditary cancer-predisposing syndrome. Last evaluated: 2025-01-15. Review status: criteria provided, single submitter. Criteria: Ambry Variant Classification Scheme 2023. Collection method: clinical testing. Allele origin: germline.
Comment: The p.E575G variant (also known as c.1724A>G), located in coding exon 9 of the BRCA1 gene, results from an A to G substitution at nucleotide position 1724. The glutamic acid at codon 575 is replaced by glycine, an amino acid with similar properties. This variant was identified in an individual diagnosed with breast cancer (Makhetha M et al. S Afr Med J, 2024 May;114:e1094). This amino acid position is not well conserved in available vertebrate species. In addition, the in silico prediction for this alteration is inconclusive. Based on the available evidence, the clinical significance of this variant remains unclear.

Quest Diagnostics Nichols Institute San Juan Capistrano
Classification: Uncertain significance. Last evaluated: 2024-12-02. Review status: criteria provided, single submitter. Criteria: Quest Diagnostics criteria. Collection method: clinical testing. Allele origin: unknown.
Comment: The BRCA1 c.1724A>G (p.Glu575Gly) variant has been reported in the published literature in individuals with breast and/or ovarian cancer (PMIDs: 35957908 (2022), 35464868 (2022) 34196900 (2021), 34218100 (2021)). Additionally, this variant has been reported to be located in a region of the BRCA1 gene that is tolerant to missense sequence changes (PMID: 31911673 (2020)). The frequency of this variant in the general population (Genome Aggregation Database) is higher than would generally be expected for pathogenic variants in this gene. Analysis of this variant using bioinformatics tools for the prediction of the effect of amino acid changes on protein structure and function yielded predictions that this variant is benign. Based on the available information, we are unable to determine the clinical significance of this variant.

Mendelics
Classification: Likely benign for Hereditary cancer. Last evaluated: 2024-09-11. Review status: criteria provided, single submitter. Criteria: ACMG Guidelines, 2015. Collection method: clinical testing. Allele origin: unknown.
Comment: This variant is considered likely benign or benign based on one or more of the following: it is predicted to be benign by multiple in silico algorithms, and/or has population frequency not consistent with disease, and/or has normal protein function, and/or has lack of segregation with disease, and/or has been detected in co-occurrence with known pathogenic variant, and/or has lack of disease association in case-control studies, and/or is located in a region inconsistent with a known cause of pathogenicity.

Institute for Biomarker Research, Medical Diagnostic Laboratories, L.L.C.
Classification: Uncertain significance for Hereditary breast ovarian cancer syndrome. Last evaluated: 2024-01-04. Review status: criteria provided, single submitter. Criteria: ACMG Guidelines, 2015. Collection method: clinical testing. Allele origin: germline.